The following is an entry in ClinVar:

ClinVar aggregate classification (germline): Likely benign (0 of 4 stars; one submission).

Conditions:
CSF1R-related disorder. Also called: CSF1R-related condition. Identifiers: MedGen CN379780, MONDO:0100632.

Allele frequency attached by ClinVar (database versions not stated): TOPMed below 0.00001; gnomAD 0.00003; gnomAD exomes 0.00005; ExAC 0.00007.
gnomAD v4.1: 74 of 1,614,050 alleles (0.0046%); highest among the groups gnomAD compares: South Asian, 0.08%; 2 homozygotes.

Submission:

PreventionGenetics, part of Exact Sciences
Classification: Likely benign for CSF1R-related condition. Last evaluated: 2022-04-21. Review status: no assertion criteria provided. Collection method: clinical testing. Allele origin: germline.
Comment: This variant is classified as likely benign based on ACMG/AMP sequence variant interpretation guidelines (Richards et al. 2015 PMID: 25741868, with internal and published modifications).

NM_001288705.3(CSF1R):c.528A>G (p.Gln176=)

Gene: CSF1R (colony stimulating factor 1 receptor; minus strand). Cytogenetic location: 5q32.
Variant type: single nucleotide variant.
Coding change: c.528A>G on transcript NM_001288705.3 (MANE Select); coding-DNA position 528, A replaced by G.
Protein change: p.Gln176=; no amino-acid change (glutamine 176 retained).
Molecular consequence: synonymous variant. On other transcripts: non-coding transcript variant (2).
Genome position (GRCh38, 1-based): chr5:150,080,116, T>C on the plus strand (A>G on the coding strand, the complement: CSF1R is on the minus strand). VCF-style: chr5-150080116-T-C. GRCh37 (hg19) VCF-style: chr5-149459679-T-C.
Other names: c.528A>G, p.Gln176= (NM_001349736.2, NM_001375320.1, NM_005211.4); c.84A>G, p.Gln28= (NM_001375321.1).
Identifiers: ClinVar variation 3048753 (VCV003048753.2), dbSNP rs746440982, ClinGen allele CA3507164.
Genomic context (GRCh38, chr5:150,080,116, plus strand): 5'-CTGCACTTTCAGCCGGATGCTGATGGACATCACCTTCCTGCCACCCATCAGGGCACTGCA[T>C]TGATAGTCCTGGCTCTGAATGAACTTGGCCCTGTGGATGGTGAAGCCATGCCAGGGCGAG-3'
Protein context (NP_001275634.1, residues 166-186): RAKFIQSQDY[Gln176=]CSALMGGRKV